The following is an entry in ClinVar:

ClinVar aggregate classification (germline): Pathogenic. Review status: criteria provided, single submitter (1 of 4 stars). 2 submissions from 2 submitters: Pathogenic (1). 1 of the submissions does not count toward it. Last evaluated 2022-01-04.

Conditions:
Retinal dystrophy. Also called: Inherited retinal dystrophy. Identifiers: Orphanet 71862, MedGen C0854723, MeSH D058499, MONDO:0019118, HP:0000556.
Joubert syndrome. Also called: CEREBELLOPARENCHYMAL DISORDER IV; JOUBERT-BOLTSHAUSER SYNDROME; Familial aplasia of the vermis. Identifiers: Orphanet 475, MedGen C5979921, MONDO:0018772.
Nephronophthisis. Also called: Juvenile Nephronophthisis. Identifiers: Orphanet 655, MedGen C0687120, MONDO:0019005, HP:0000090.
Meckel-Gruber syndrome. Also called: DYSENCEPHALIA SPLANCHNOCYSTICA; GRUBER SYNDROME; Dysencephalia splachnocystica. Identifiers: Orphanet 564, MedGen C0265215, MONDO:0018921.

Submissions (2):

Labcorp Genetics (formerly Invitae), Labcorp
Classification: Pathogenic for Joubert syndrome; Meckel-Gruber syndrome; Nephronophthisis. Last evaluated: 2022-01-04. Review status: criteria provided, single submitter. Criteria: Invitae Variant Classification Sherloc (09022015). Collection method: clinical testing. Allele origin: germline.
Comment: This variant has not been reported in the literature in individuals affected with CEP290-related conditions. For these reasons, this variant has been classified as Pathogenic. This variant is not present in population databases (gnomAD no frequency). This sequence change creates a premature translational stop signal (p.Val987Phefs*17) in the CEP290 gene. It is expected to result in an absent or disrupted protein product. Loss-of-function variants in CEP290 are known to be pathogenic (PMID: 16909394, 17345604, 20690115).

Institute of Human Genetics, Univ. Regensburg, Univ. Regensburg
Classification: Pathogenic for Retinal dystrophy. Last evaluated: 2019-01-01. Review status: no assertion criteria provided. Criteria: ACMG Guidelines, 2015. Collection method: clinical testing. Allele origin: germline. Affected: yes. Not counted in ClinVar's aggregate classification.

Literature cited by the submitters: PubMed 16909394 (cited by Labcorp Genetics (formerly Invitae), Labcorp); PubMed 17345604 (cited by Labcorp Genetics (formerly Invitae), Labcorp); PubMed 20690115 (cited by Labcorp Genetics (formerly Invitae), Labcorp).

NM_025114.4(CEP290):c.2958del (p.Val987fs)

Gene: CEP290 (centrosomal protein 290; minus strand). Cytogenetic location: 12q21.32.
Variant type: Deletion.
Coding change: c.2958del on transcript NM_025114.4 (MANE Select); coding-DNA position 2958, one base deleted (T; older notation c.2958delT).
Protein change: p.Val987fs; shifts the reading frame from valine 987.
Molecular consequence: frameshift variant.
Genome position (GRCh38, 1-based): chr12:88,102,871, A deleted on the plus strand (T on the coding strand, the reverse complement: CEP290 is on the minus strand); the first of 2 consecutive A bases (chr12:88,102,871-88,102,872); deleting either gives the same sequence. VCF-style (leftmost placement, unchanged base first): chr12-88102870-CA-C. GRCh37 (hg19) VCF-style: chr12-88496647-CA-C.
Other names: short protein forms V987fs.
Identifiers: ClinVar variation 2074374 (VCV002074374.5), dbSNP rs2500523689, ClinGen allele CA2580086710.